The following is an entry in ClinVar:

ClinVar aggregate classification (germline): Uncertain significance. Review status: criteria provided, multiple submitters, no conflicts (2 of 4 stars). 2 submissions from 2 submitters: Uncertain significance (2). Last evaluated 2023-07-11.

Conditions:
Developmental and epileptic encephalopathy, 23 (DEE23). Also called: Epileptic encephalopathy, early infantile, 23. Identifiers: Orphanet 411986, MedGen C4014492, MONDO:0014371, OMIM 615859.

Allele frequency attached by ClinVar (database versions not stated): gnomAD exomes 0.00001; gnomAD 0.00002; TOPMed 0.00002.
gnomAD v4.1: 10 of 1,607,556 alleles (0.00062%); highest among the groups gnomAD compares: African/African-American, 0.0013%; no homozygotes.

Submissions (2):

GeneDx
Classification: Uncertain significance. Last evaluated: 2023-07-11. Review status: criteria provided, single submitter. Criteria: GeneDx Variant Classification Process June 2021. Collection method: clinical testing. Allele origin: germline. Affected: yes.
Comment: Not observed at significant frequency in large population cohorts (gnomAD); In silico analysis supports that this missense variant does not alter protein structure/function; Has not been previously published as pathogenic or benign to our knowledge

Labcorp Genetics (formerly Invitae), Labcorp
Classification: Uncertain significance for Developmental and epileptic encephalopathy, 23. Last evaluated: 2022-08-23. Review status: criteria provided, single submitter. Criteria: Invitae Variant Classification Sherloc (09022015). Collection method: clinical testing. Allele origin: germline.
Comment: This sequence change replaces asparagine, which is neutral and polar, with serine, which is neutral and polar, at codon 660 of the DOCK7 protein (p.Asn660Ser). This variant is not present in population databases (gnomAD no frequency). This variant has not been reported in the literature in individuals affected with DOCK7-related conditions. ClinVar contains an entry for this variant (Variation ID: 578317). Algorithms developed to predict the effect of missense changes on protein structure and function (SIFT, PolyPhen-2, Align-GVGD) all suggest that this variant is likely to be tolerated. In summary, the available evidence is currently insufficient to determine the role of this variant in disease. Therefore, it has been classified as a Variant of Uncertain Significance.

NM_001367561.1(DOCK7):c.1979A>G (p.Asn660Ser)

Gene: DOCK7 (dedicator of cytokinesis 7; minus strand). Cytogenetic location: 1p31.3.
Variant type: single nucleotide variant.
Coding change: c.1979A>G on transcript NM_001367561.1 (MANE Select); coding-DNA position 1979, A replaced by G.
Protein change: p.Asn660Ser; replaces asparagine 660 with serine.
Molecular consequence: missense variant.
Genome position (GRCh38, 1-based): chr1:62,578,859, T>C on the plus strand (A>G on the coding strand, the complement: DOCK7 is on the minus strand). VCF-style: chr1-62578859-T-C. GRCh37 (hg19) VCF-style: chr1-63044530-T-C.
Other names: c.1979A>G, p.Asn660Ser (NM_001271999.2, NM_001272000.2, NM_001272001.2 and 2 more transcripts); short protein forms N660S.
Identifiers: ClinVar variation 578317 (VCV000578317.7), dbSNP rs1313541793, ClinGen allele CA340629175.
Genomic context (GRCh38, chr1:62,578,859, plus strand): 5'-GATCTAAATATTGAACCAAAAGGACTCACTGTATATCCAACTGGTGTTTCAAGAGGAGTA[T>C]TTTGTTTTTGTTGACAACTAACATGATAAAAAGTAAAAAGCAAGTGATGATGGTCAGTTA-3'
Protein context (NP_001354490.1, residues 650-670): FYHVSCQQKQ[Asn660Ser]TPLETPVGYT